The following is an entry in ClinVar:

NM_000202.8(IDS):c.1006+1G>T

Genes: IDS (iduronate 2-sulfatase; minus strand), LOC106050102 (IDS recombination region; plus strand). Cytogenetic location: Xq28.
Variant type: single nucleotide variant.
Coding change: c.1006+1G>T on transcript NM_000202.8 (MANE Select); the canonical splice donor site of the intron after coding-DNA position 1006, G replaced by T.
Molecular consequence: splice donor variant.
Genome position (GRCh38, 1-based): chrX:149,490,313, C>A on the plus strand (G>T on the coding strand, the complement: IDS is on the minus strand). VCF-style: chrX-149490313-C-A. GRCh37 (hg19) VCF-style: chrX-148571844-C-A.
Other names: c.736+1G>T (NM_001166550.4); c.1006+1G>T (NM_006123.5).
Identifiers: ClinVar variation 221978 (VCV000221978.3), dbSNP rs869025308, ClinGen allele CA356952.

ClinVar aggregate classification (germline): Pathogenic. Review status: criteria provided, multiple submitters, no conflicts (2 of 4 stars). 2 submissions from 2 submitters: Pathogenic (2). Last evaluated 2024-06-07.

Conditions:
Mucopolysaccharidosis, MPS-II (MPS2). Also called: Hunter Syndrome; Mucopolysaccharidosis with skin involvement; Mucopolysaccharidosis type 2; IDURONATE 2-SULFATASE DEFICIENCY; Mucopolysaccharidosis Type II; IDS deficiency. Identifiers: Orphanet 580, Orphanet 79388, MedGen C0026705, MONDO:0010674, OMIM 309900.

Submissions (2):

Laboratory of Diagnosis and Therapy of Lysosomal Disorders, University of Padova
Classification: Pathogenic for Mucopolysaccharidosis, MPS-II. Last evaluated: 2024-06-07. Review status: criteria provided, single submitter. Criteria: ACMG Guidelines, 2015. Collection method: literature only. Allele origin: germline. Affected: yes. Observed: 1 variant allele.
Comment: Null variant (PVS1_VeryStrong), Absent from controls (or at low frequency) in gnomAD database (PM2_Moderate), Patient’s phenotype or family history highly specific for the disease (PP4_Strong)

Classification method: ACMG Guidelines [PMID:25741868] with modifications

MOLECULAR BIOLOGY LABORATORY, INSTITUTO NACIONAL DE PEDIATRIA
Classification: Pathogenic for Mucopolysaccharidosis, MPS-II. Last evaluated: 2015-10-18. Review status: criteria provided, single submitter. Criteria: ACMG Guidelines, 2007. Collection method: research. Allele origin: maternal. Affected: yes. Observed: 1 variant allele.

Literature cited by the submitters: PubMed 26762690 (cited by Laboratory of Diagnosis and Therapy of Lysosomal Disorders, University of Padova and MOLECULAR BIOLOGY LABORATORY, INSTITUTO NACIONAL DE PEDIATRIA).